The following is an entry in ClinVar:

ClinVar aggregate classification (germline): Likely pathogenic (1 of 4 stars; one submission).

Conditions:
Epidermolysis bullosa dystrophica. Also called: Dystrophic epidermolysis bullosa; Dystrophic epidermolysis bullosa, Hallopeau-Siemens type (formerly). Identifiers: Orphanet 303, MedGen C0079294, MONDO:0006543.

Allele frequency attached by ClinVar (database versions not stated): 1000 Genomes Project 30x 0.00016.
gnomAD v4.1: 3 of 1,614,044 alleles (0.00019%); highest among the groups gnomAD compares: Non-Finnish European, 0.00025%; no homozygotes.

Submission:

Women's Health and Genetics/Laboratory Corporation of America, LabCorp
Classification: Likely pathogenic for Epidermolysis bullosa dystrophica. Last evaluated: 2024-07-10. Review status: criteria provided, single submitter. Criteria: LabCorp Variant Classification Summary - May 2015. Collection method: clinical testing. Allele origin: germline.
Comment: Variant summary: COL7A1 c.3831+1G>A is located in a canonical splice-site and is predicted to affect mRNA splicing resulting in a significantly altered protein due to either exon skipping, shortening, or inclusion of intronic material. Several computational tools predict a significant impact on normal splicing: Four predict the variant abolishes a 5 splicing donor site. However, these predictions have yet to be confirmed by functional studies. The variant allele was found at a frequency of 8e-06 in 251346 control chromosomes. To our knowledge, no occurrence of c.3831+1G>A in individuals affected with Dystrophic Epidermolysis Bullosa and no experimental evidence demonstrating its impact on protein function have been reported. ClinVar contains an entry for this variant (Variation ID: 1722502). Based on the evidence outlined above, the variant was classified as likely pathogenic.

NM_000094.4(COL7A1):c.3831+1G>A

Gene: COL7A1 (collagen type VII alpha 1 chain; minus strand). Cytogenetic location: 3p21.31.
Variant type: single nucleotide variant.
Coding change: c.3831+1G>A on transcript NM_000094.4 (MANE Select); the canonical splice donor site of the intron after coding-DNA position 3831, G replaced by A.
Molecular consequence: splice donor variant.
Genome position (GRCh38, 1-based): chr3:48,585,689, C>T on the plus strand (G>A on the coding strand, the complement: COL7A1 is on the minus strand). VCF-style: chr3-48585689-C-T. GRCh37 (hg19) VCF-style: chr3-48623122-C-T.
Identifiers: ClinVar variation 1722502 (VCV001722502.2), dbSNP rs776841521, ClinGen allele CA2380377.